The following is an entry in ClinVar:

ClinVar aggregate classification (germline): Uncertain significance. Review status: criteria provided, multiple submitters, no conflicts (2 of 4 stars). 2 submissions from 2 submitters: Uncertain significance (2). Last evaluated 2025-08-24.

Conditions:
Retinoblastoma (RB1). Also called: RETINOBLASTOMA, SOMATIC. Identifiers: Orphanet 790, MedGen C0035335, MeSH D012175, MONDO:0008380, OMIM 180200, HP:0009919. Disease mechanism: loss of function. Inheritance: Both sporadic and heritable forms are tested..
Hereditary cancer-predisposing syndrome. Also called: Neoplastic Syndromes, Hereditary; Tumor predisposition; Hereditary neoplastic syndrome; Hereditary Cancer Syndrome. Identifiers: Orphanet 140162, MedGen C0027672, MeSH D009386, MONDO:0015356.

Submissions (2):

Labcorp Genetics (formerly Invitae), Labcorp
Classification: Uncertain significance for Retinoblastoma. Last evaluated: 2025-08-24. Review status: criteria provided, single submitter. Criteria: Invitae Variant Classification Sherloc (09022015). Collection method: clinical testing. Allele origin: germline.
Comment: This variant, c.98_124dup, results in the insertion of 9 amino acid(s) of the RB1 protein (p.Pro33_Asp41dup), but otherwise preserves the integrity of the reading frame. This variant is not present in population databases (gnomAD no frequency). This variant has not been reported in the literature in individuals affected with RB1-related conditions. ClinVar contains an entry for this variant (Variation ID: 3231255). In summary, the available evidence is currently insufficient to determine the role of this variant in disease. Therefore, it has been classified as a Variant of Uncertain Significance.

Ambry Genetics
Classification: Uncertain significance for Hereditary cancer-predisposing syndrome. Last evaluated: 2024-01-31. Review status: criteria provided, single submitter. Criteria: Ambry Variant Classification Scheme 2023. Collection method: clinical testing. Allele origin: germline.
Comment: The c.98_124dup27 variant (also known as p.P33_D41dup), located in coding exon 1 of the RB1 gene, results from an in-frame duplication of 27 nucleotides at nucleotide positions 98 to 124. This results in the duplication of 9 extra residues (PEQDSGPED) between codons 33 and 41. This amino acid region is well conserved in available vertebrate species. In addition, this alteration is predicted to be neutral by in silico analysis (Choi Y et al. PLoS ONE. 2012; 7(10):e46688). Based on the available evidence, the clinical significance of this alteration remains unclear.

NM_000321.3(RB1):c.98_124dup (p.Asp41_Leu42insProGluGlnAspSerGlyProGluAsp)

Gene: RB1 (RB transcriptional corepressor 1; plus strand). Cytogenetic location: 13q14.2.
Variant type: Duplication.
Coding change: c.98_124dup on transcript NM_000321.3 (MANE Select); coding-DNA positions 98 to 124, 27 bases duplicated (CAGAGCAGGACAGCGGCCCGGAGGACC).
Protein change: p.Asp41_Leu42insProGluGlnAspSerGlyProGluAsp.
Molecular consequence: inframe insertion. On other transcripts: inframe indel (1).
Genome position (GRCh38, 1-based): chr13:48,304,010-48,304,036, CAGAGCAGGACAGCGGCCCGGAGGACC duplicated; duplicating any 27 consecutive bases within chr13:48,304,002-48,304,036 gives the same sequence; the c. name uses the placement nearest the transcript's 3' end. VCF-style (leftmost placement, unchanged base first): chr13-48304001-A-AGGAGGACCCAGAGCAGGACAGCGGCCC. GRCh37 (hg19) VCF-style: chr13-48878137-A-AGGAGGACCCAGAGCAGGACAGCGGCCC.
Other names: c.98_124dup, p.Asp41_Leu42insProGluGlnAspSerGlyProGluAsp (NM_001407165.1, NM_001407166.1, NM_001407167.1); c.98_124dupCAGAGCAGGACAGCGGCCCGGAGGACC (NM_000321.2).
Identifiers: ClinVar variation 3231255 (VCV003231255.2), dbSNP rs2542094116, ClinGen allele CA2825002179.